The following is an entry in ClinVar:

ClinVar aggregate classification (germline): Pathogenic (1 of 4 stars; one submission).

Conditions:
Inborn genetic diseases. Identifiers: MedGen C0950123, MeSH D030342.

Submission:

Ambry Genetics
Classification: Pathogenic for Inborn genetic diseases. Last evaluated: 2025-08-11. Review status: criteria provided, single submitter. Criteria: Ambry Variant Classification Scheme 2023. Collection method: clinical testing. Allele origin: germline.
Comment: The c.394dupG (p.A132Gfs*11) alteration, located in exon 6 (coding exon 5) of the CNOT1 gene, consists of a duplication of G at position 394, causing a translational frameshift with a predicted alternate stop codon after 11 amino acids. This alteration is expected to result in loss of function by premature protein truncation or nonsense-mediated mRNA decay. This variant was not reported in population-based cohorts in the Genome Aggregation Database (gnomAD). Based on the available evidence, this alteration is classified as pathogenic.

NM_016284.5(CNOT1):c.394dup (p.Ala132fs)

Gene: CNOT1 (CCR4-NOT transcription complex subunit 1; minus strand). Cytogenetic location: 16q21.
Variant type: Duplication.
Coding change: c.394dup on transcript NM_016284.5 (MANE Select); coding-DNA position 394, one base duplicated (G; older notation c.394dupG).
Protein change: p.Ala132fs; shifts the reading frame from alanine 132.
Molecular consequence: frameshift variant. On other transcripts: non-coding transcript variant (1).
Genome position (GRCh38, 1-based): chr16:58,587,240, C duplicated on the plus strand (G on the coding strand, the reverse complement: CNOT1 is on the minus strand). VCF-style (leftmost placement, unchanged base first): chr16-58587239-G-GC. GRCh37 (hg19) VCF-style: chr16-58621143-G-GC.
Other names: c.394dup, p.Ala132fs (NM_001265612.2, NM_206999.3); short protein forms A132fs.
Identifiers: ClinVar variation 4230904 (VCV004230904.1).